The following is an entry in ClinVar:

NM_002354.3(EPCAM):c.712del (p.Glu238fs)

Gene: EPCAM (epithelial cell adhesion molecule; plus strand). Cytogenetic location: 2p21.
Variant type: Deletion.
Coding change: c.712del on transcript NM_002354.3 (MANE Select); coding-DNA position 712, one base deleted (G; older notation c.712delG).
Protein change: p.Glu238fs; shifts the reading frame from glutamic acid 238.
Molecular consequence: frameshift variant.
Genome position (GRCh38, 1-based): chr2:47,379,823, G deleted; the last of 4 consecutive G bases (chr2:47,379,820-47,379,823); deleting any one gives the same sequence. VCF-style (leftmost placement, unchanged base first): chr2-47379819-TG-T. GRCh37 (hg19) VCF-style: chr2-47606958-TG-T.
Other names: c.712delG (NM_002354.2); short protein forms E238fs.
Identifiers: ClinVar variation 579230 (VCV000579230.2), dbSNP rs1558438591, ClinGen allele CA891842877.

ClinVar aggregate classification (germline): Pathogenic (1 of 4 stars; one submission).

Conditions:
Hereditary nonpolyposis colorectal neoplasms. Identifiers: MedGen C0009405, MeSH D003123.

Submission:

Labcorp Genetics (formerly Invitae), Labcorp
Classification: Pathogenic for Hereditary nonpolyposis colorectal neoplasms. Last evaluated: 2018-05-14. Review status: criteria provided, single submitter. Criteria: Invitae Variant Classification Sherloc (09022015). Collection method: clinical testing. Allele origin: germline.
Comment: This sequence change creates a premature translational stop signal (p.Glu238Asnfs*11) in the EPCAM gene. It is expected to result in an absent or disrupted protein product. This variant is not present in population databases (ExAC no frequency). This variant has not been reported in the literature in individuals with EPCAM-related disease. Loss-of-function variants in EPCAM are known to be pathogenic (PMID: 18572020, 20034091, 20981223, 21315192). For these reasons, this variant has been classified as Pathogenic.

Literature cited by the submitters: PubMed 18572020; PubMed 20034091; PubMed 20981223; PubMed 21315192.